The following is an entry in ClinVar:

ClinVar aggregate classification (germline): Uncertain significance (1 of 4 stars; one submission).

Conditions:
Episodic kinesigenic dyskinesia (EKD). Also called: Paroxysmal kinesigenic dyskinesia. Identifiers: Orphanet 98809, MedGen C1868682, MONDO:0044202.

Allele frequency attached by ClinVar (database versions not stated): gnomAD exomes below 0.00001.
gnomAD v4.1: 1 of 1,614,142 alleles (0.000062%); highest among the groups gnomAD compares: Admixed American, 0.0017%; no homozygotes.

Submission:

Labcorp Genetics (formerly Invitae), Labcorp
Classification: Uncertain significance for Episodic kinesigenic dyskinesia. Last evaluated: 2023-10-13. Review status: criteria provided, single submitter. Criteria: Invitae Variant Classification Sherloc (09022015). Collection method: clinical testing. Allele origin: germline.
Comment: This sequence change replaces glycine, which is neutral and non-polar, with arginine, which is basic and polar, at codon 92 of the PRRT2 protein (p.Gly92Arg). This variant is not present in population databases (gnomAD no frequency). This variant has not been reported in the literature in individuals affected with PRRT2-related conditions. ClinVar contains an entry for this variant (Variation ID: 963772). Advanced modeling of protein sequence and biophysical properties (such as structural, functional, and spatial information, amino acid conservation, physicochemical variation, residue mobility, and thermodynamic stability) performed at Invitae indicates that this missense variant is not expected to disrupt PRRT2 protein function. In summary, the available evidence is currently insufficient to determine the role of this variant in disease. Therefore, it has been classified as a Variant of Uncertain Significance.

NM_145239.3(PRRT2):c.274G>A (p.Gly92Arg)

Genes: MVP-DT (MVP divergent transcript; minus strand), PRRT2 (proline rich transmembrane protein 2; plus strand). Cytogenetic location: 16p11.2.
Variant type: single nucleotide variant.
Coding change: c.274G>A on transcript NM_145239.3 (MANE Select); coding-DNA position 274, G replaced by A.
Protein change: p.Gly92Arg; replaces glycine 92 with arginine.
Molecular consequence: missense variant.
Genome position (GRCh38, 1-based): chr16:29,813,328, G>A. VCF-style: chr16-29813328-G-A. GRCh37 (hg19) VCF-style: chr16-29824649-G-A.
Other names: c.274G>A, p.Gly92Arg (NM_001256442.2, NM_001256443.2); short protein forms G92R.
Identifiers: ClinVar variation 963772 (VCV000963772.10), dbSNP rs1900073708, ClinGen allele CA395477959.